The following is an entry in ClinVar:

ClinVar aggregate classification (germline): Uncertain significance (1 of 4 stars; one submission).

Allele frequency attached by ClinVar (database versions not stated): gnomAD exomes below 0.00001; gnomAD 0.00001.

Submission:

Labcorp Genetics (formerly Invitae), Labcorp
Classification: Uncertain significance. Last evaluated: 2022-10-13. Review status: criteria provided, single submitter. Criteria: Invitae Variant Classification Sherloc (09022015). Collection method: clinical testing. Allele origin: germline.
Comment: This sequence change affects codon 179 of the RGS9BP mRNA. It is a 'silent' change, meaning that it does not change the encoded amino acid sequence of the RGS9BP protein. The frequency data for this variant in the population databases is considered unreliable, as metrics indicate poor data quality at this position in the gnomAD database. This variant has not been reported in the literature in individuals affected with RGS9BP-related conditions. In summary, the available evidence is currently insufficient to determine the role of this variant in disease. Therefore, it has been classified as a Variant of Uncertain Significance.

NM_207391.3(RGS9BP):c.537G>A (p.Gln179=)

Gene: RGS9BP (regulator of G protein signaling 9 binding protein; plus strand). Cytogenetic location: 19q13.11.
Variant type: single nucleotide variant.
Coding change: c.537G>A on transcript NM_207391.3 (MANE Select); coding-DNA position 537, G replaced by A.
Protein change: p.Gln179=; no amino-acid change (glutamine 179 retained).
Molecular consequence: synonymous variant.
Genome position (GRCh38, 1-based): chr19:32,676,800, G>A. VCF-style: chr19-32676800-G-A. GRCh37 (hg19) VCF-style: chr19-33167706-G-A.
Identifiers: ClinVar variation 2010163 (VCV002010163.4), dbSNP rs1456380636, ClinGen allele CA506994156.
Genomic context (GRCh38, chr19:32,676,800, plus strand): 5'-GATGATCGACAACATGGAGATGAAGGTCAACGTGCCCCGCTGGACCGTGCAAGCCCGGCA[G>A]GCGGCGGGCGCCGAGCTCCTGTCCACGGTCAGCGCCGGCCCCTCCTCGGTCGTGTCCTTG-3'
Protein context (NP_997274.2, residues 169-189): NVPRWTVQAR[Gln179=]AAGAELLSTV